The following is an entry in ClinVar:

NM_001040142.2(SCN2A):c.3972G>T (p.Arg1324Ser)

Gene: SCN2A (sodium voltage-gated channel alpha subunit 2; plus strand). Cytogenetic location: 2q24.3.
Variant type: single nucleotide variant.
Coding change: c.3972G>T on transcript NM_001040142.2 (MANE Select); coding-DNA position 3972, G replaced by T.
Protein change: p.Arg1324Ser; replaces arginine 1324 with serine.
Molecular consequence: missense variant.
Genome position (GRCh38, 1-based): chr2:165,373,347, G>T. VCF-style: chr2-165373347-G-T. GRCh37 (hg19) VCF-style: chr2-166229857-G-T.
Other names: c.3972G>T, p.Arg1324Ser (NM_001040143.2, NM_001371246.1, NM_001371247.1 and 1 more transcripts); short protein forms R1324S.
Identifiers: ClinVar variation 453152 (VCV000453152.2), dbSNP rs1057518117, ClinGen allele CA349030090.

ClinVar aggregate classification (germline): Likely pathogenic (1 of 4 stars; one submission).

Submission:

GeneDx
Classification: Likely pathogenic. Last evaluated: 2017-11-01. Review status: criteria provided, single submitter. Criteria: GeneDx Variant Classification (06012015). Collection method: clinical testing. Allele origin: germline. Affected: yes.
Comment: The c.3972 G>T variant has not been published as a pathogenic variant, nor has it been reported as a benign variant to our knowledge. The c.3972 G>T variant is not observed in large population cohorts (Lek et al., 2016). Multiple in-silico splice prediction models predict that c.3972 G>T destroys the natural splice donor site and may lead to abnormal gene splicing. However, in the absence of RNA/functional studies the actual effect of c.3972 G>T on splicing in this individual is unknown. If c.3972 G>T does not alter splicing, it will result in the R1324S missense change. The R1324S variant is a semi-conservative amino acid substitution, which may impact secondary protein structure as these residues differ in some properties. This substitution occurs at a conserved position in the intracellular loop between the S4 and S5 transmembrane segments of the third homologous domain. In addition, a missense variant in a nearby residue (R1319Q) has been reported in the Human Gene Mutation Database in association with an SCN2A-related disorder (Stenson et al., 2014), supporting the functional importance of this region of the protein. In silico analysis predicts this variant is probably damaging to the protein structure/function.